The following is an entry in ClinVar:

ClinVar aggregate classification (germline): Uncertain significance (1 of 4 stars; one submission).

Conditions:
Glycogen storage disease due to muscle and heart glycogen synthase deficiency. Also called: GSD 0b; MUSCLE GLYCOGEN SYNTHASE DEFICIENCY. Identifiers: Orphanet 137625, MedGen C1969054, MONDO:0012693, OMIM 611556.

Allele frequency attached by ClinVar (database versions not stated): 1000 Genomes Project 30x 0.00016.
gnomAD v4.1: 8 of 1,613,452 alleles (0.0005%); highest among the groups gnomAD compares: East Asian, 0.016%; no homozygotes.

Submission:

Labcorp Genetics (formerly Invitae), Labcorp
Classification: Uncertain significance for Glycogen storage disease due to muscle and heart glycogen synthase deficiency. Last evaluated: 2023-10-03. Review status: criteria provided, single submitter. Criteria: Invitae Variant Classification Sherloc (09022015). Collection method: clinical testing. Allele origin: germline.
Comment: This sequence change replaces asparagine, which is neutral and polar, with lysine, which is basic and polar, at codon 222 of the GYS1 protein (p.Asn222Lys). This variant is present in population databases (rs201548356, gnomAD 0.05%). This variant has not been reported in the literature in individuals affected with GYS1-related conditions. ClinVar contains an entry for this variant (Variation ID: 1037659). Advanced modeling of protein sequence and biophysical properties (such as structural, functional, and spatial information, amino acid conservation, physicochemical variation, residue mobility, and thermodynamic stability) has been performed at Invitae for this missense variant, however the output from this modeling did not meet the statistical confidence thresholds required to predict the impact of this variant on GYS1 protein function. In summary, the available evidence is currently insufficient to determine the role of this variant in disease. Therefore, it has been classified as a Variant of Uncertain Significance.

NM_002103.5(GYS1):c.666C>A (p.Asn222Lys)

Gene: GYS1 (glycogen synthase 1; minus strand). Cytogenetic location: 19q13.33.
Variant type: single nucleotide variant.
Coding change: c.666C>A on transcript NM_002103.5 (MANE Select); coding-DNA position 666, C replaced by A.
Protein change: p.Asn222Lys; replaces asparagine 222 with lysine.
Molecular consequence: missense variant. On other transcripts: non-coding transcript variant (1).
Genome position (GRCh38, 1-based): chr19:48,985,862, G>T on the plus strand (C>A on the coding strand, the complement: GYS1 is on the minus strand). VCF-style: chr19-48985862-G-T. GRCh37 (hg19) VCF-style: chr19-49489119-G-T.
Other names: c.474C>A, p.Asn158Lys (NM_001161587.2); short protein forms N158K, N222K.
Identifiers: ClinVar variation 1037659 (VCV001037659.9), dbSNP rs201548356, ClinGen allele CA9563276.